The following is an entry in ClinVar:

ClinVar aggregate classification (germline): Conflicting classifications of pathogenicity. Review status: criteria provided, conflicting classifications (1 of 4 stars). 4 submissions from 4 submitters: Uncertain significance (2); Likely benign (2). Last evaluated 2025-06-29.

Conditions:
Familial thoracic aortic aneurysm and aortic dissection (TAAD). Also called: Thoracic aortic aneurysms and dissections. Identifiers: Orphanet 91387, MedGen C4707243, MONDO:0019625.
Shprintzen-Goldberg syndrome (SGS). Also called: SHPRINTZEN-GOLDBERG CRANIOSYNOSTOSIS SYNDROME; CRANIOSYNOSTOSIS WITH ARACHNODACTYLY AND ABDOMINAL HERNIAS; Marfanoid disorder with craniosynostosis type 1; Marfanoid craniosynostosis syndrome; Shprintzen-Goldberg marfanoid syndrome. Identifiers: Orphanet 2462, MedGen C1321551, MONDO:0008426, OMIM 182212.

Allele frequency attached by ClinVar (database versions not stated): gnomAD exomes 0.00001 and 0.00002; ExAC 0.00002; TOPMed 0.00006; ESP Exome Variant Server 0.00008; 1000 Genomes Project 30x 0.00016; 1000 Genomes Project 0.00020.
gnomAD v4.1: 27 of 1,613,736 alleles (0.0017%); highest among the groups gnomAD compares: African/African-American, 0.023%; no homozygotes.

Submissions (4):

Labcorp Genetics (formerly Invitae), Labcorp
Classification: Likely benign for Shprintzen-Goldberg syndrome. Last evaluated: 2025-06-29. Review status: criteria provided, single submitter. Criteria: Invitae Variant Classification Sherloc (09022015). Collection method: clinical testing. Allele origin: germline.

Ambry Genetics
Classification: Uncertain significance for Familial thoracic aortic aneurysm and aortic dissection. Last evaluated: 2024-04-07. Review status: criteria provided, single submitter. Criteria: Ambry Variant Classification Scheme 2023. Collection method: clinical testing. Allele origin: germline.
Comment: The p.A345V variant (also known as c.1034C>T), located in coding exon 2 of the SKI gene, results from a C to T substitution at nucleotide position 1034. The alanine at codon 345 is replaced by valine, an amino acid with similar properties. This amino acid position is conserved. In addition, this alteration is predicted to be tolerated by in silico analysis. Since supporting evidence is limited at this time, the clinical significance of this alteration remains unclear.

Blueprint Genetics
Classification: Likely benign. Last evaluated: 2022-11-01. Review status: criteria provided, single submitter. Criteria: ACMG Guidelines, 2015. Collection method: clinical testing. Allele origin: germline.

GeneDx
Classification: Uncertain significance. Last evaluated: 2022-01-05. Review status: criteria provided, single submitter. Criteria: GeneDx Variant Classification Process June 2021. Collection method: clinical testing. Allele origin: germline. Affected: yes.
Comment: Has not been previously published as pathogenic or benign to our knowledge; In silico analysis supports that this missense variant does not alter protein structure/function; Reported in ClinVar as a variant of uncertain significance (ClinVar Variant ID# 656172); This variant is associated with the following publications: (PMID: 26582918)

NM_003036.4(SKI):c.1034C>T (p.Ala345Val)

Gene: SKI (SKI proto-oncogene; plus strand). Cytogenetic location: 1p36.32.
Variant type: single nucleotide variant.
Coding change: c.1034C>T on transcript NM_003036.4 (MANE Select); coding-DNA position 1034, C replaced by T.
Protein change: p.Ala345Val; replaces alanine 345 with valine.
Molecular consequence: missense variant.
Genome position (GRCh38, 1-based): chr1:2,303,042, C>T. VCF-style: chr1-2303042-C-T. GRCh37 (hg19) VCF-style: chr1-2234481-C-T.
Other names: short protein forms A345V.
Identifiers: ClinVar variation 656172 (VCV000656172.18), dbSNP rs201599402, ClinGen allele CA536533.
Genomic context (GRCh38, chr1:2,303,042, plus strand): 5'-CCTCTGAGCCTCCGGCCTCCATAAGACCCAAAACAGATGACACCTCTTCCCAGTCCCCCG[C>T]GCCTTCCGAAAAGGACAAGCCGTCCAGCTGGCTGCGGACCTTGGCCGGCTCTTCCAATAA-3'
Protein context (NP_003027.1, residues 335-355): KTDDTSSQSP[Ala345Val]PSEKDKPSSW